The following is an entry in ClinVar:

NM_198904.4(GABRG2):c.1008T>A (p.Asp336Glu)

Gene: GABRG2 (gamma-aminobutyric acid type A receptor subunit gamma2; plus strand). Cytogenetic location: 5q34.
Variant type: single nucleotide variant.
Coding change: c.1008T>A on transcript NM_198904.4 (MANE Select); coding-DNA position 1008, T replaced by A.
Protein change: p.Asp336Glu; replaces aspartic acid 336 with glutamic acid.
Molecular consequence: missense variant. On other transcripts: intron variant (1).
Genome position (GRCh38, 1-based): chr5:162,149,193, T>A. VCF-style: chr5-162149193-T-A. GRCh37 (hg19) VCF-style: chr5-161576199-T-A.
Other names: c.1008T>A, p.Asp336Glu (NM_000816.3); c.999T>A, p.Asp333Glu (NM_001375339.1); c.1005T>A, p.Asp335Glu (NM_001375341.1, NM_001375342.1); c.1128T>A, p.Asp376Glu (NM_001375343.1, NM_198903.2); c.1047T>A, p.Asp349Glu (NM_001375344.1); c.942T>A, p.Asp314Glu (NM_001375345.1, NM_001375346.1); c.921T>A, p.Asp307Glu (NM_001375347.1); c.588T>A, p.Asp196Glu (NM_001375348.1, NM_001375350.1); and 2 more; short protein forms D335E, D349E, D241E, D336E, D376E, D196E, D307E, D314E.
Identifiers: ClinVar variation 2954515 (VCV002954515.4), dbSNP rs2532756474, ClinGen allele CA362182473.

ClinVar aggregate classification (germline): Uncertain significance. Review status: criteria provided, multiple submitters, no conflicts (2 of 4 stars). 2 submissions from 2 submitters: Uncertain significance (2). Last evaluated 2024-03-11.

Conditions:
EPILEPSY, CHILDHOOD ABSENCE, SUSCEPTIBILITY TO, 2 (ECA2). Identifiers: Orphanet 64280, MedGen C1843244, OMIM 607681.
Febrile seizures, familial, 8 (FEB8). Also called: CONVULSIONS, FAMILIAL FEBRILE, 8. Identifiers: Orphanet 36387, MedGen C1969810, MONDO:0011891, OMIM 607681.

Submissions (2):

GeneDx
Classification: Uncertain significance. Last evaluated: 2024-03-11. Review status: criteria provided, single submitter. Criteria: GeneDx Variant Classification Process June 2021. Collection method: clinical testing. Allele origin: germline. Affected: yes.
Comment: Not observed at significant frequency in large population cohorts (gnomAD); In silico analysis supports that this missense variant has a deleterious effect on protein structure/function; Has not been previously published as pathogenic or benign to our knowledge

Labcorp Genetics (formerly Invitae), Labcorp
Classification: Uncertain significance for Febrile seizures, familial, 8; EPILEPSY, CHILDHOOD ABSENCE, SUSCEPTIBILITY TO, 2. Last evaluated: 2023-12-09. Review status: criteria provided, single submitter. Criteria: Invitae Variant Classification Sherloc (09022015). Collection method: clinical testing. Allele origin: germline.
Comment: This sequence change replaces aspartic acid, which is acidic and polar, with glutamic acid, which is acidic and polar, at codon 336 of the GABRG2 protein (p.Asp336Glu). This variant is not present in population databases (gnomAD no frequency). This variant has not been reported in the literature in individuals affected with GABRG2-related conditions. Advanced modeling of protein sequence and biophysical properties (such as structural, functional, and spatial information, amino acid conservation, physicochemical variation, residue mobility, and thermodynamic stability) has been performed at Invitae for this missense variant, however the output from this modeling did not meet the statistical confidence thresholds required to predict the impact of this variant on GABRG2 protein function. In summary, the available evidence is currently insufficient to determine the role of this variant in disease. Therefore, it has been classified as a Variant of Uncertain Significance.